The following is an entry in ClinVar:

ClinVar aggregate classification (germline): Benign/Likely benign. Review status: criteria provided, multiple submitters, no conflicts (2 of 4 stars). 3 submissions from 3 submitters: Benign (1); Likely benign (2). Last evaluated 2025-03-25.

Conditions:
Peutz-Jeghers syndrome (PJS). Also called: POLYPOSIS, HAMARTOMATOUS INTESTINAL; POLYPS-AND-SPOTS SYNDROME; Peutz-Jeghers polyposis; Periorificial lentiginosis syndrome. Identifiers: Orphanet 2869, MedGen C0031269, MeSH D010580, MONDO:0008280, OMIM 175200.
Hereditary cancer-predisposing syndrome. Also called: Tumor predisposition; Neoplastic Syndromes, Hereditary; Hereditary Cancer Syndrome; Hereditary neoplastic syndrome. Identifiers: Orphanet 140162, MedGen C0027672, MeSH D009386, MONDO:0015356.

Submissions (3):

Myriad Genetics, Inc.
Classification: Benign for Peutz-Jeghers syndrome. Last evaluated: 2025-03-25. Review status: criteria provided, single submitter. Criteria: Myriad Autosomal Dominant, Autosomal Recessive and X-Linked Classification Criteria (2023). Collection method: clinical testing. Allele origin: unknown.
Comment: This variant is considered benign. This variant is a silent/synonymous amino acid change and it is not expected to impact splicing.

Labcorp Genetics (formerly Invitae), Labcorp
Classification: Likely benign for Peutz-Jeghers syndrome. Last evaluated: 2024-08-19. Review status: criteria provided, single submitter. Criteria: Invitae Variant Classification Sherloc (09022015). Collection method: clinical testing. Allele origin: germline.

Ambry Genetics
Classification: Likely benign for Hereditary cancer-predisposing syndrome. Last evaluated: 2021-08-09. Review status: criteria provided, single submitter. Criteria: Ambry Variant Classification Scheme 2023. Collection method: clinical testing. Allele origin: germline.

NM_000455.5(STK11):c.223A>C (p.Arg75=)

Gene: STK11 (serine/threonine kinase 11; plus strand). Cytogenetic location: 19p13.3.
Variant type: single nucleotide variant.
Coding change: c.223A>C on transcript NM_000455.5 (MANE Select); coding-DNA position 223, A replaced by C.
Protein change: p.Arg75=; no amino-acid change (arginine 75 retained).
Molecular consequence: synonymous variant. On other transcripts: non-coding transcript variant (1).
Genome position (GRCh38, 1-based): chr19:1,207,136, A>C. VCF-style: chr19-1207136-A-C. GRCh37 (hg19) VCF-style: chr19-1207135-A-C.
Other names: c.223A>C, p.Arg75= (NM_001407255.1).
Identifiers: ClinVar variation 1788235 (VCV001788235.5), dbSNP rs1599915199, ClinGen allele CA504706312.